The following is an entry in ClinVar:

NM_001330311.2(DVL1):c.1690_1694dup (p.Gly566fs)

Genes: DVL1 (dishevelled segment polarity protein 1; minus strand), LOC129929114 (ATAC-STARR-seq lymphoblastoid silent region 61; plus strand). Cytogenetic location: 1p36.33.
Variant type: Duplication.
Coding change: c.1690_1694dup on transcript NM_001330311.2 (MANE Select); coding-DNA positions 1690 to 1694, 5 bases duplicated (AGCAC; older notation c.1690_1694dupAGCAC).
Protein change: p.Gly566fs; shifts the reading frame from glycine 566.
Molecular consequence: frameshift variant.
Genome position (GRCh38, 1-based): chr1:1,337,997-1,338,001, GTGCT duplicated on the plus strand (AGCAC on the coding strand, the reverse complement: DVL1 is on the minus strand); duplicating any 5 consecutive bases within chr1:1,337,997-1,338,002 gives the same sequence; the c. name uses the placement nearest the transcript's 3' end. VCF-style (leftmost placement, unchanged base first): chr1-1337996-G-GGTGCT. GRCh37 (hg19) VCF-style: chr1-1273376-G-GGTGCT.
Other names: c.1615_1619dup, p.Gly541fs (NM_004421.3); short protein forms G541fs, G566fs.
Identifiers: ClinVar variation 1362290 (VCV001362290.8), dbSNP rs2100714549, ClinGen allele CA2573130444.
Genomic context (GRCh38, chr1:1,337,996, plus strand): 5'-GGGCGGAGCCGGGGAAGGGCAGGTAGGGGCGGCGTTCTCACCTTCACTCTGCTGACTCCC[G>GGTGCT]GTGCTGCCGCTGCCATAGCTAAAGCCCGGGTCCTGGTAGGCAGGCGGGAAGCAGGGTGGG-3'

ClinVar aggregate classification (germline): Uncertain significance (1 of 4 stars; one submission).

Submission:

Labcorp Genetics (formerly Invitae), Labcorp
Classification: Uncertain significance. Last evaluated: 2021-04-23. Review status: criteria provided, single submitter. Criteria: Invitae Variant Classification Sherloc (09022015). Collection method: clinical testing. Allele origin: germline.
Comment: In summary, the available evidence is currently insufficient to determine the role of this variant in disease. Therefore, it has been classified as a Variant of Uncertain Significance. Experimental studies and prediction algorithms are not available or were not evaluated, and the functional significance of this variant is currently unknown. This variant has not been reported in the literature in individuals with DVL1-related conditions. This variant is not present in population databases (ExAC no frequency). This sequence change creates a premature translational stop signal (p.Gly541Alafs*110) in the DVL1 gene. While this is not anticipated to result in nonsense mediated decay, it is expected to disrupt the last 130 amino acid(s) of the DVL1 protein.